The following is an entry in ClinVar:

ClinVar aggregate classification (germline): Uncertain significance. Review status: criteria provided, multiple submitters, no conflicts (2 of 4 stars). 2 submissions from 2 submitters: Uncertain significance (2). Last evaluated 2025-06-24.

Conditions:
Hereditary cancer-predisposing syndrome. Also called: Hereditary Cancer Syndrome; Tumor predisposition; Hereditary neoplastic syndrome; Neoplastic Syndromes, Hereditary. Identifiers: Orphanet 140162, MedGen C0027672, MeSH D009386, MONDO:0015356.

Submissions (2):

Ambry Genetics
Classification: Uncertain significance for Hereditary cancer-predisposing syndrome. Last evaluated: 2025-06-24. Review status: criteria provided, single submitter. Criteria: Ambry Variant Classification Scheme 2023. Collection method: clinical testing. Allele origin: germline.
Comment: The p.A434V variant (also known as c.1301C>T), located in coding exon 9 of the CTNNA1 gene, results from a C to T substitution at nucleotide position 1301. The alanine at codon 434 is replaced by valine, an amino acid with similar properties. This amino acid position is highly conserved in available vertebrate species. In addition, this alteration is predicted to be deleterious by in silico analysis. Based on the available evidence, the clinical significance of this variant remains unclear.

Labcorp Genetics (formerly Invitae), Labcorp
Classification: Uncertain significance. Last evaluated: 2025-01-23. Review status: criteria provided, single submitter. Criteria: Invitae Variant Classification Sherloc (09022015). Collection method: clinical testing. Allele origin: germline.
Comment: This sequence change replaces alanine, which is neutral and non-polar, with valine, which is neutral and non-polar, at codon 434 of the CTNNA1 protein (p.Ala434Val). This variant is not present in population databases (gnomAD no frequency). This variant has not been reported in the literature in individuals affected with CTNNA1-related conditions. ClinVar contains an entry for this variant (Variation ID: 647859). Invitae Evidence Modeling of protein sequence and biophysical properties (such as structural, functional, and spatial information, amino acid conservation, physicochemical variation, residue mobility, and thermodynamic stability) indicates that this missense variant is expected to disrupt CTNNA1 protein function with a positive predictive value of 80%. In summary, the available evidence is currently insufficient to determine the role of this variant in disease. Therefore, it has been classified as a Variant of Uncertain Significance.

NM_001903.5(CTNNA1):c.1301C>T (p.Ala434Val)

Gene: CTNNA1 (catenin alpha 1; plus strand). Cytogenetic location: 5q31.2.
Variant type: single nucleotide variant.
Coding change: c.1301C>T on transcript NM_001903.5 (MANE Select); coding-DNA position 1301, C replaced by T.
Protein change: p.Ala434Val; replaces alanine 434 with valine.
Molecular consequence: missense variant. On other transcripts: 5 prime UTR variant (6), intron variant (3).
Genome position (GRCh38, 1-based): chr5:138,904,353, C>T. VCF-style: chr5-138904353-C-T. GRCh37 (hg19) VCF-style: chr5-138240042-C-T.
Other names: c.1301C>T (NM_001903.2); c.1301C>T, p.Ala434Val (NM_001290307.3, NM_001323982.2, NM_001323983.1 and 2 more transcripts); c.992C>T, p.Ala331Val (NM_001290309.3); c.932C>T, p.Ala311Val (NM_001290310.3); c.191C>T, p.Ala64Val (NM_001290312.1, NM_001323987.1, NM_001323988.1 and 17 more transcripts); c.-207C>T (NM_001324006.1, NM_001324007.1, NM_001324008.1 and 1 more transcripts); c.-53C>T (NM_001324012.1, NM_001324013.1); c.1297-13389C>T (NM_001323986.2); and 2 more; short protein forms A434V, A311V, A331V, A64V.
Identifiers: ClinVar variation 647859 (VCV000647859.9), dbSNP rs779166169, ClinGen allele CA361135870.